The following is an entry in ClinVar:

NM_001206927.2(DNAH8):c.9220_9221del (p.Thr3073_Asp3074insTer)

Gene: DNAH8 (dynein axonemal heavy chain 8; plus strand). Cytogenetic location: 6p21.2.
Variant type: Deletion.
Coding change: c.9220_9221del on transcript NM_001206927.2 (MANE Select); coding-DNA positions 9220 to 9221, 2 bases deleted (GA; older notation c.9220_9221delGA).
Protein change: p.Thr3073_Asp3074insTer.
Molecular consequence: nonsense.
Genome position (GRCh38, 1-based): chr6:38,906,279-38,906,280, GA deleted; deleting any 2 consecutive bases within chr6:38,906,278-38,906,280 gives the same sequence; the c. name uses the placement nearest the transcript's 3' end. VCF-style (leftmost placement, unchanged base first): chr6-38906277-CAG-C. GRCh37 (hg19) VCF-style: chr6-38874053-CAG-C.
Other names: c.8569_8570del, p.Thr2856_Asp2857insTer (NM_001371.4).
Identifiers: ClinVar variation 5007055 (VCV005007055.2).

ClinVar aggregate classification (germline): Likely pathogenic (1 of 4 stars; one submission).

Conditions:
Spermatogenic failure 46. Identifiers: MedGen C5436799, MONDO:0033673, OMIM 619095.

Submission:

Juno Genomics, Hangzhou Juno Genomics, Inc
Classification: Likely pathogenic for Spermatogenic failure 46. Review status: criteria provided, single submitter. Criteria: ACMG Guidelines, 2015. Collection method: clinical testing. Allele origin: germline.
Comment: Null variant in a gene where loss of function (LOF) is a known mechanism of disease.;Absent from controls (or at extremely low frequency if recessive) in Genome Aggregation Database.